The following is an entry in ClinVar:

NM_016373.4(WWOX):c.560T>A (p.Leu187His)

Gene: WWOX (WW domain containing oxidoreductase; plus strand). Cytogenetic location: 16q23.1.
Variant type: single nucleotide variant.
Coding change: c.560T>A on transcript NM_016373.4 (MANE Select); coding-DNA position 560, T replaced by A.
Protein change: p.Leu187His; replaces leucine 187 with histidine.
Molecular consequence: missense variant.
Genome position (GRCh38, 1-based): chr16:78,386,903, T>A. VCF-style: chr16-78386903-T-A. GRCh37 (hg19) VCF-style: chr16-78420800-T-A.
Other names: c.221T>A, p.Leu74His (NM_001291997.2); short protein forms L187H, L74H.
Identifiers: ClinVar variation 1512185 (VCV001512185.6), dbSNP rs2151934150, ClinGen allele CA396843917.

ClinVar aggregate classification (germline): Uncertain significance (1 of 4 stars; one submission).

Conditions:
Developmental and epileptic encephalopathy, 1 (DEE1). Also called: X-linked infantile spasms; West's syndrome; Tonic spasms with clustering, arrest of psychomotor development and hypsarrhythmia on EEG; X-Linked Infantile Spasm Syndrome; OHTAHARA SYNDROME, X-LINKED; Epileptic encephalopathy, early infantile, 1. Identifiers: MedGen C3463992, MONDO:0010632, OMIM 308350. Disease mechanism: loss of function.
Autosomal recessive spinocerebellar ataxia 12. Also called: SPINOCEREBELLAR ATAXIA WITH MENTAL RETARDATION AND EPILEPSY. Identifiers: Orphanet 284282, MedGen C3280452, MONDO:0013687, OMIM 614322.

Submission:

Labcorp Genetics (formerly Invitae), Labcorp
Classification: Uncertain significance for Developmental and epileptic encephalopathy, 1; Autosomal recessive spinocerebellar ataxia 12. Last evaluated: 2021-12-03. Review status: criteria provided, single submitter. Criteria: Invitae Variant Classification Sherloc (09022015). Collection method: clinical testing. Allele origin: germline.
Comment: In summary, the available evidence is currently insufficient to determine the role of this variant in disease. Therefore, it has been classified as a Variant of Uncertain Significance. Algorithms developed to predict the effect of missense changes on protein structure and function are either unavailable or do not agree on the potential impact of this missense change (SIFT: "Not Available"; PolyPhen-2: "Probably Damaging"; Align-GVGD: "Not Available"). This variant is not present in population databases (gnomAD no frequency). This sequence change replaces leucine with histidine at codon 187 of the WWOX protein (p.Leu187His). The leucine residue is highly conserved and there is a moderate physicochemical difference between leucine and histidine. This variant has not been reported in the literature in individuals affected with WWOX-related conditions.